The following is an entry in ClinVar:

NM_000875.5(IGF1R):c.2347G>T (p.Asp783Tyr)

Gene: IGF1R (insulin like growth factor 1 receptor; plus strand). Cytogenetic location: 15q26.3.
Variant type: single nucleotide variant.
Coding change: c.2347G>T on transcript NM_000875.5 (MANE Select); coding-DNA position 2347, G replaced by T.
Protein change: p.Asp783Tyr; replaces aspartic acid 783 with tyrosine.
Molecular consequence: missense variant.
Genome position (GRCh38, 1-based): chr15:98,922,293, G>T. VCF-style: chr15-98922293-G-T. GRCh37 (hg19) VCF-style: chr15-99465522-G-T.
Other names: c.2347G>T, p.Asp783Tyr (NM_001291858.2); short protein forms D783Y.
Identifiers: ClinVar variation 3666601 (VCV003666601.2).

ClinVar aggregate classification (germline): Uncertain significance (1 of 4 stars; one submission).

gnomAD v4.1: 1 of 1,614,164 alleles (0.000062%); highest among the groups gnomAD compares: Non-Finnish European, 0.000085%; no homozygotes.

Submission:

Labcorp Genetics (formerly Invitae), Labcorp
Classification: Uncertain significance. Last evaluated: 2024-12-22. Review status: criteria provided, single submitter. Criteria: Invitae Variant Classification Sherloc (09022015). Collection method: clinical testing. Allele origin: germline.
Comment: This sequence change replaces aspartic acid, which is acidic and polar, with tyrosine, which is neutral and polar, at codon 783 of the IGF1R protein (p.Asp783Tyr). This variant is present in population databases (rs771140051, gnomAD 0.0009%). This variant has not been reported in the literature in individuals affected with IGF1R-related conditions. Invitae Evidence Modeling of protein sequence and biophysical properties (such as structural, functional, and spatial information, amino acid conservation, physicochemical variation, residue mobility, and thermodynamic stability) indicates that this missense variant is not expected to disrupt IGF1R protein function with a negative predictive value of 80%. In summary, the available evidence is currently insufficient to determine the role of this variant in disease. Therefore, it has been classified as a Variant of Uncertain Significance.